The following is an entry in ClinVar:

NM_006231.4(POLE):c.725A>G (p.His242Arg)

Gene: POLE (DNA polymerase epsilon, catalytic subunit; minus strand). Cytogenetic location: 12q24.33.
Variant type: single nucleotide variant.
Coding change: c.725A>G on transcript NM_006231.4 (MANE Select); coding-DNA position 725, A replaced by G.
Protein change: p.His242Arg; replaces histidine 242 with arginine.
Molecular consequence: missense variant.
Genome position (GRCh38, 1-based): chr12:132,677,439, T>C on the plus strand (A>G on the coding strand, the complement: POLE is on the minus strand). VCF-style: chr12-132677439-T-C. GRCh37 (hg19) VCF-style: chr12-133254025-T-C.
Other names: short protein forms H242R.
Identifiers: ClinVar variation 405799 (VCV000405799.15), dbSNP rs767612904, ClinGen allele CA6894201.

ClinVar aggregate classification (germline): Uncertain significance. Review status: criteria provided, multiple submitters, no conflicts (2 of 4 stars). 4 submissions from 4 submitters: Uncertain significance (4). Last evaluated 2025-12-15.

Conditions:
Hereditary cancer-predisposing syndrome. Also called: Hereditary Cancer Syndrome; Hereditary neoplastic syndrome; Neoplastic Syndromes, Hereditary; Tumor predisposition. Identifiers: Orphanet 140162, MedGen C0027672, MeSH D009386, MONDO:0015356.
Colorectal cancer, susceptibility to, 12 (CRCS12). Also called: COLORECTAL CANCER, SUSCEPTIBILITY TO, ON CHROMOSOME 12q24. Identifiers: Orphanet 220460, MedGen C3554460, MONDO:0014038, OMIM 615083.

Allele frequency attached by ClinVar (database versions not stated): TOPMed below 0.00001; gnomAD 0.00001; gnomAD exomes 0.00001; ExAC 0.00002.
gnomAD v4.1: 4 of 1,613,822 alleles (0.00025%); highest among the groups gnomAD compares: East Asian, 0.0022%; no homozygotes.

Submissions (4):

Labcorp Genetics (formerly Invitae), Labcorp
Classification: Uncertain significance. Last evaluated: 2025-12-15. Review status: criteria provided, single submitter. Criteria: Invitae Variant Classification Sherloc (09022015). Collection method: clinical testing. Allele origin: germline.
Comment: This sequence change replaces histidine, which is basic and polar, with arginine, which is basic and polar, at codon 242 of the POLE protein (p.His242Arg). This variant is present in population databases (rs767612904, gnomAD 0.006%). This variant has not been reported in the literature in individuals affected with POLE-related conditions. ClinVar contains an entry for this variant (Variation ID: 405799). Invitae Evidence Modeling of protein sequence and biophysical properties (such as structural, functional, and spatial information, amino acid conservation, physicochemical variation, residue mobility, and thermodynamic stability) indicates that this missense variant is not expected to disrupt POLE protein function with a negative predictive value of 80%. In summary, the available evidence is currently insufficient to determine the role of this variant in disease. Therefore, it has been classified as a Variant of Uncertain Significance.

Ambry Genetics
Classification: Uncertain significance for Hereditary cancer-predisposing syndrome. Last evaluated: 2025-11-04. Review status: criteria provided, single submitter. Criteria: Ambry Variant Classification Scheme 2023. Collection method: clinical testing. Allele origin: germline.
Comment: The p.H242R variant (also known as c.725A>G), located in coding exon 8 of the POLE gene, results from an A to G substitution at nucleotide position 725. The histidine at codon 242 is replaced by arginine, an amino acid with highly similar properties. This amino acid position is conserved. In addition, the in silico prediction for this alteration is inconclusive. Since supporting evidence is limited at this time, the clinical significance of this alteration remains unclear.

GeneDx
Classification: Uncertain significance. Last evaluated: 2023-11-06. Review status: criteria provided, single submitter. Criteria: GeneDx Variant Classification Process June 2021. Collection method: clinical testing. Allele origin: germline. Affected: yes.
Comment: Not observed at significant frequency in large population cohorts (gnomAD); In silico analysis supports that this missense variant does not alter protein structure/function; Has not been previously published as pathogenic or benign to our knowledge

Division of Medical Genetics, University of Washington
Classification: Uncertain significance for Colorectal cancer, susceptibility to, 12. Last evaluated: 2018-11-29. Review status: criteria provided, single submitter. Criteria: ACMG Guidelines, 2015. Collection method: clinical testing. Allele origin: germline. Affected: no. Study: CSER_CHARM.
Comment: To our knowledge, this sequence variant has not been previously reported in the literature. The POLE c.725A>G variant has an overall allele frequency of 0.000004 in the gnomAD database (Genome Aggregation Database). This variant is in the exonuclease domain of the protein where other pathogenic sequence variants have been found. In silico analyses indicate this is an evolutionarily conserved residue. Thus, it is unknown at this time whether this variant increases cancer risk.